The following is an entry in ClinVar:

NM_005612.5(REST):c.3137A>G (p.Asn1046Ser)

Gene: REST (RE1 silencing transcription factor; plus strand). Cytogenetic location: 4q12.
Variant type: single nucleotide variant.
Coding change: c.3137A>G on transcript NM_005612.5 (MANE Select); coding-DNA position 3137, A replaced by G.
Protein change: p.Asn1046Ser; replaces asparagine 1046 with serine.
Molecular consequence: missense variant.
Genome position (GRCh38, 1-based): chr4:56,931,995, A>G. VCF-style: chr4-56931995-A-G. GRCh37 (hg19) VCF-style: chr4-57798161-A-G.
Other names: c.3137A>G, p.Asn1046Ser (NM_001193508.2, NM_001363453.3); short protein forms N1046S.
Identifiers: ClinVar variation 1009076 (VCV001009076.8), dbSNP rs1251981173, ClinGen allele CA357010289.

ClinVar aggregate classification (germline): Uncertain significance (1 of 4 stars; one submission).

gnomAD v4.1: 1 of 1,614,228 alleles (0.000062%); highest among the groups gnomAD compares: Non-Finnish European, 0.000085%; no homozygotes.

Submission:

Labcorp Genetics (formerly Invitae), Labcorp
Classification: Uncertain significance. Last evaluated: 2020-01-18. Review status: criteria provided, single submitter. Criteria: Invitae Variant Classification Sherloc (09022015). Collection method: clinical testing. Allele origin: germline.
Comment: This sequence change replaces asparagine with serine at codon 1046 of the REST protein (p.Asn1046Ser). The asparagine residue is moderately conserved and there is a small physicochemical difference between asparagine and serine. This variant is not present in population databases (ExAC no frequency). This variant has not been reported in the literature in individuals with REST-related conditions. Algorithms developed to predict the effect of missense changes on protein structure and function output the following: SIFT: "Tolerated"; PolyPhen-2: "Benign"; Align-GVGD: "Class C0". The serine amino acid residue is found in multiple mammalian species, suggesting that this missense change does not adversely affect protein function. These predictions have not been confirmed by published functional studies and their clinical significance is uncertain. In summary, the available evidence is currently insufficient to determine the role of this variant in disease. Therefore, it has been classified as a Variant of Uncertain Significance.